The following is an entry in ClinVar:

ClinVar aggregate classification (germline): Uncertain significance. Review status: criteria provided, multiple submitters, no conflicts (2 of 4 stars). 2 submissions from 2 submitters: Uncertain significance (2). Last evaluated 2025-12-01.

Submissions (2):

Women's Health and Genetics/Laboratory Corporation of America, LabCorp
Classification: Uncertain significance. Last evaluated: 2025-12-01. Review status: criteria provided, single submitter. Criteria: LabCorp Variant Classification Summary - May 2015. Collection method: clinical testing. Allele origin: germline.
Comment: Variant summary: CREBBP c.6522G>C (p.Met2174Ile) results in a conservative amino acid change in the encoded protein sequence. Algorithms developed to predict the effect of missense changes on protein structure and function are either unavailable or do not agree on the potential impact of this missense change. The variant was absent in 247118 control chromosomes. The available data on variant occurrences in the general population are insufficient to allow any conclusion about variant significance. To our knowledge, no occurrence of c.6522G>C in individuals affected with CREBBP-related conditions and no experimental evidence demonstrating its impact on protein function have been reported. ClinVar contains an entry for this variant (Variation ID: 3253082). Based on the evidence outlined above, the variant was classified as uncertain significance.

GeneDx
Classification: Uncertain significance. Last evaluated: 2024-04-29. Review status: criteria provided, single submitter. Criteria: GeneDx Variant Classification Process June 2021. Collection method: clinical testing. Allele origin: germline. Affected: yes.
Comment: Not observed at significant frequency in large population cohorts (gnomAD); In silico analysis indicates that this missense variant does not alter protein structure/function; Has not been previously published as pathogenic or benign to our knowledge

NM_004380.3(CREBBP):c.6522G>C (p.Met2174Ile)

Gene: CREBBP (CREB binding lysine acetyltransferase; minus strand). Cytogenetic location: 16p13.3.
Variant type: single nucleotide variant.
Coding change: c.6522G>C on transcript NM_004380.3 (MANE Select); coding-DNA position 6522, G replaced by C.
Protein change: p.Met2174Ile; replaces methionine 2174 with isoleucine.
Molecular consequence: missense variant.
Genome position (GRCh38, 1-based): chr16:3,728,525, C>G on the plus strand (G>C on the coding strand, the complement: CREBBP is on the minus strand). VCF-style: chr16-3728525-C-G. GRCh37 (hg19) VCF-style: chr16-3778526-C-G.
Other names: c.6408G>C, p.Met2136Ile (NM_001079846.1); short protein forms M2136I, M2174I.
Identifiers: ClinVar variation 3253082 (VCV003253082.2), dbSNP rs2151303479.